The following is an entry in ClinVar:

NM_000257.4(MYH7):c.3746G>A (p.Cys1249Tyr)

Gene: MYH7 (myosin heavy chain 7; minus strand). Cytogenetic location: 14q11.2.
Variant type: single nucleotide variant.
Coding change: c.3746G>A on transcript NM_000257.4 (MANE Select); coding-DNA position 3746, G replaced by A.
Protein change: p.Cys1249Tyr; replaces cysteine 1249 with tyrosine.
Molecular consequence: missense variant.
Genome position (GRCh38, 1-based): chr14:23,419,590, C>T on the plus strand (G>A on the coding strand, the complement: MYH7 is on the minus strand). VCF-style: chr14-23419590-C-T. GRCh37 (hg19) VCF-style: chr14-23888799-C-T.
Other names: c.3746G>A, p.Cys1249Tyr (NM_001407004.1); short protein forms C1249Y.
Identifiers: ClinVar variation 2574026 (VCV002574026.4), dbSNP rs2502262161, ClinGen allele CA389042778.

ClinVar aggregate classification (germline): Uncertain significance. Review status: criteria provided, multiple submitters, no conflicts (2 of 4 stars). 2 submissions from 2 submitters: Uncertain significance (2). Last evaluated 2025-07-09.

Conditions:
Long QT syndrome (LQTS). Identifiers: MedGen C0023976, MeSH D008133, MONDO:0002442. Disease mechanism: loss of function. Inheritance: Various modes of inheritance.
Cardiomyopathy (CMYO). Also called: Cardiomyopathies. Identifiers: Orphanet 167848, MedGen C0878544, MONDO:0004994, HP:0001638. Inheritance: Various modes of inheritance.

Submissions (2):

Color Diagnostics, LLC DBA Color Health
Classification: Uncertain significance for Cardiomyopathy. Last evaluated: 2025-07-09. Review status: criteria provided, single submitter. Criteria: ACMG Guidelines, 2015. Collection method: clinical testing. Allele origin: germline.
Comment: This missense variant replaces cysteine with tyrosine at codon 1249 of the MYH7 protein. Computational prediction is inconclusive regarding the impact of this variant on protein structure and function. To our knowledge, functional studies have not been reported for this variant. This variant has not been reported in individuals affected with MYH7-related disorders in the literature. This variant has not been identified in the general population by the Genome Aggregation Database (gnomAD). The available evidence is insufficient to determine the role of this variant in disease conclusively. Therefore, this variant is classified as a Variant of Uncertain Significance.

Dept of Medical Biology, Uskudar University
Classification: Uncertain significance for Long QT syndrome. Last evaluated: 2024-01-08. Review status: criteria provided, single submitter. Criteria: Dept of Medical Biology Variant Classification. Collection method: research. Allele origin: paternal. Affected: yes. Observed: 1 variant allele.
Comment: Criteria: PM2, PP3, PP2